The following is an entry in ClinVar:

ClinVar aggregate classification (germline): Uncertain significance (1 of 4 stars; one submission).

Allele frequency attached by ClinVar (database versions not stated): TOPMed below 0.00001; gnomAD 0.00001.
gnomAD v4.1: 1 of 1,207,548 alleles (0.000083%); highest among the groups gnomAD compares: Admixed American, 0.0022%; no homozygotes.

Submission:

Labcorp Genetics (formerly Invitae), Labcorp
Classification: Uncertain significance. Last evaluated: 2025-01-27. Review status: criteria provided, single submitter. Criteria: Invitae Variant Classification Sherloc (09022015). Collection method: clinical testing. Allele origin: germline.
Comment: This sequence change replaces glycine, which is neutral and non-polar, with arginine, which is basic and polar, at codon 581 of the CHM protein (p.Gly581Arg). This variant is not present in population databases (gnomAD no frequency). This variant has not been reported in the literature in individuals affected with CHM-related conditions. ClinVar contains an entry for this variant (Variation ID: 1492823). Invitae Evidence Modeling of protein sequence and biophysical properties (such as structural, functional, and spatial information, amino acid conservation, physicochemical variation, residue mobility, and thermodynamic stability) indicates that this missense variant is not expected to disrupt CHM protein function with a negative predictive value of 80%. In summary, the available evidence is currently insufficient to determine the role of this variant in disease. Therefore, it has been classified as a Variant of Uncertain Significance.

NM_000390.4(CHM):c.1741G>C (p.Gly581Arg)

Gene: CHM (CHM Rab escort protein; minus strand). Cytogenetic location: Xq21.2.
Variant type: single nucleotide variant.
Coding change: c.1741G>C on transcript NM_000390.4 (MANE Select); coding-DNA position 1741, G replaced by C.
Protein change: p.Gly581Arg; replaces glycine 581 with arginine.
Molecular consequence: missense variant.
Genome position (GRCh38, 1-based): chrX:85,873,081, C>G on the plus strand (G>C on the coding strand, the complement: CHM is on the minus strand). VCF-style: chrX-85873081-C-G. GRCh37 (hg19) VCF-style: chrX-85128086-C-G.
Other names: c.1297G>C, p.Gly433Arg (NM_001320959.1, NM_001362517.1, NM_001362518.2 and 1 more transcripts); short protein forms G433R, G581R.
Identifiers: ClinVar variation 1492823 (VCV001492823.5), dbSNP rs1173681269, ClinGen allele CA413786337.